The following is an entry in ClinVar:

ClinVar aggregate classification (germline): Pathogenic (1 of 4 stars; one submission).

Conditions:
Hereditary breast ovarian cancer syndrome. Also called: Hereditary breast and ovarian cancer syndrome (HBOC); Hereditary breast and ovarian cancer syndrome; Hereditary breast and ovarian cancer; Breast and ovarian cancer; BRCA1- and BRCA2-Associated Hereditary Breast and Ovarian Cancer; Hereditary breast and/or ovarian cancer syndrome. Identifiers: Orphanet 145, MedGen C0677776, MeSH D061325, MONDO:0003582. Disease mechanism: loss of function.

Submission:

Labcorp Genetics (formerly Invitae), Labcorp
Classification: Pathogenic for Hereditary breast ovarian cancer syndrome. Last evaluated: 2022-06-28. Review status: criteria provided, single submitter. Criteria: Invitae Variant Classification Sherloc (09022015). Collection method: clinical testing. Allele origin: germline.
Comment: This sequence change creates a premature translational stop signal (p.Gln1595Profs*29) in the BRCA2 gene. It is expected to result in an absent or disrupted protein product. Loss-of-function variants in BRCA2 are known to be pathogenic (PMID: 20104584). This variant is not present in population databases (gnomAD no frequency). This variant has not been reported in the literature in individuals affected with BRCA2-related conditions. For these reasons, this variant has been classified as Pathogenic.

Literature cited by the submitters: PubMed 20104584.

NM_000059.4(BRCA2):c.4764_4783dup (p.Gln1595fs)

Gene: BRCA2 (BRCA2 DNA repair associated; plus strand). Cytogenetic location: 13q13.1.
Variant type: Duplication.
Coding change: c.4764_4783dup on transcript NM_000059.4 (MANE Select); coding-DNA positions 4764 to 4783, 20 bases duplicated (CCCAAAGTGTAAAGAAATGC).
Protein change: p.Gln1595fs; shifts the reading frame from glutamine 1595.
Molecular consequence: frameshift variant.
Genome position (GRCh38, 1-based): chr13:32,339,119-32,339,138, CCCAAAGTGTAAAGAAATGC duplicated; duplicating any 20 consecutive bases within chr13:32,339,116-32,339,138 gives the same sequence; the c. name uses the placement nearest the transcript's 3' end. VCF-style (leftmost placement, unchanged base first): chr13-32339115-C-CTGCCCCAAAGTGTAAAGAAA. GRCh37 (hg19) VCF-style: chr13-32913252-C-CTGCCCCAAAGTGTAAAGAAA.
Other names: c.4764_4783dup, p.Gln1595Profs (NM_001406719.1, NM_001406720.1); short protein forms Q1595fs.
Identifiers: ClinVar variation 2011238 (VCV002011238.4), dbSNP rs2548529293, ClinGen allele CA2580087309.